The following is an entry in ClinVar:

NM_015466.4(PTPN23):c.4193G>T (p.Arg1398Leu)

Gene: PTPN23 (protein tyrosine phosphatase non-receptor type 23; plus strand). Cytogenetic location: 3p21.31.
Variant type: single nucleotide variant.
Coding change: c.4193G>T on transcript NM_015466.4 (MANE Select); coding-DNA position 4193, G replaced by T.
Protein change: p.Arg1398Leu; replaces arginine 1398 with leucine.
Molecular consequence: missense variant.
Genome position (GRCh38, 1-based): chr3:47,412,297, G>T. VCF-style: chr3-47412297-G-T. GRCh37 (hg19) VCF-style: chr3-47453787-G-T.
Other names: c.3815G>T, p.Arg1272Leu (NM_001304482.2); short protein forms R1398L, R1272L.
Identifiers: ClinVar variation 2015205 (VCV002015205.4), dbSNP rs777502902, ClinGen allele CA352565876.

ClinVar aggregate classification (germline): Uncertain significance (1 of 4 stars; one submission).

Submission:

Labcorp Genetics (formerly Invitae), Labcorp
Classification: Uncertain significance. Last evaluated: 2022-07-08. Review status: criteria provided, single submitter. Criteria: Invitae Variant Classification Sherloc (09022015). Collection method: clinical testing. Allele origin: germline.
Comment: This sequence change replaces arginine, which is basic and polar, with leucine, which is neutral and non-polar, at codon 1398 of the PTPN23 protein (p.Arg1398Leu). This variant is not present in population databases (gnomAD no frequency). This variant has not been reported in the literature in individuals affected with PTPN23-related conditions. Algorithms developed to predict the effect of missense changes on protein structure and function are either unavailable or do not agree on the potential impact of this missense change (SIFT: "Deleterious"; PolyPhen-2: "Probably Damaging"; Align-GVGD: "Class C0"). Algorithms developed to predict the effect of sequence changes on RNA splicing suggest that this variant may create or strengthen a splice site. In summary, the available evidence is currently insufficient to determine the role of this variant in disease. Therefore, it has been classified as a Variant of Uncertain Significance.